The following is an entry in ClinVar:

NM_002528.7(NTHL1):c.252G>A (p.Trp84Ter)

Gene: NTHL1 (nth like DNA glycosylase 1; minus strand). Cytogenetic location: 16p13.3.
Variant type: single nucleotide variant.
Coding change: c.252G>A on transcript NM_002528.7 (MANE Select); coding-DNA position 252, G replaced by A.
Protein change: p.Trp84Ter; replaces tryptophan 84 with a stop codon.
Molecular consequence: nonsense. On other transcripts: intron variant (1).
Genome position (GRCh38, 1-based): chr16:2,046,230, C>T on the plus strand (G>A on the coding strand, the complement: NTHL1 is on the minus strand). VCF-style: chr16-2046230-C-T. GRCh37 (hg19) VCF-style: chr16-2096231-C-T.
Other names: c.252G>A, p.Trp84Ter (NM_001318193.2); c.24+50G>A (NM_001318194.2); short protein forms W84*.
Identifiers: ClinVar variation 2120066 (VCV002120066.6), dbSNP rs372698989, ClinGen allele CA394297128.

ClinVar aggregate classification (germline): Pathogenic/Likely pathogenic. Review status: criteria provided, multiple submitters, no conflicts (2 of 4 stars). 2 submissions from 2 submitters: Pathogenic (1); Likely pathogenic (1). Last evaluated 2026-04-01.

Submissions (2):

Dasa
Classification: Likely pathogenic. Last evaluated: 2026-04-01. Review status: criteria provided, single submitter. Criteria: DASA Assertion Criteria. Collection method: clinical testing. Allele origin: germline.
Comment: NM_002528.7(NTHL1):c.252G>A (p.Trp84*) is a nonsense variant in NTHL1 predicted to introduce a premature termination codon and is predicted to result in an absent or altered protein product. Loss of function is an established disease mechanism for NTHL1-associated disorders. Also, this variant is absent from population databases. Based on the currently available evidence, this variant is classified as likely pathogenic.

Labcorp Genetics (formerly Invitae), Labcorp
Classification: Pathogenic. Last evaluated: 2022-03-31. Review status: criteria provided, single submitter. Criteria: Invitae Variant Classification Sherloc (09022015). Collection method: clinical testing. Allele origin: germline.
Comment: For these reasons, this variant has been classified as Pathogenic. This variant has not been reported in the literature in individuals affected with NTHL1-related conditions. This variant is not present in population databases (gnomAD no frequency). This sequence change creates a premature translational stop signal (p.Trp92*) in the NTHL1 gene. It is expected to result in an absent or disrupted protein product. Loss-of-function variants in NTHL1 are known to be pathogenic (PMID: 25938944, 26559593).

Literature cited by the submitters: PubMed 25938944 (cited by Labcorp Genetics (formerly Invitae), Labcorp); PubMed 26559593 (cited by Labcorp Genetics (formerly Invitae), Labcorp).